The following is an entry in ClinVar:

NM_004523.4(KIF11):c.694T>G (p.Ser232Ala)

Gene: KIF11 (kinesin family member 11; plus strand). Cytogenetic location: 10q23.33.
Variant type: single nucleotide variant.
Coding change: c.694T>G on transcript NM_004523.4 (MANE Select); coding-DNA position 694, T replaced by G.
Protein change: p.Ser232Ala; replaces serine 232 with alanine.
Molecular consequence: missense variant.
Genome position (GRCh38, 1-based): chr10:92,609,505, T>G. VCF-style: chr10-92609505-T-G. GRCh37 (hg19) VCF-style: chr10-94369262-T-G.
Other names: short protein forms S232A.
Identifiers: ClinVar variation 4709683 (VCV004709683.1).
Genomic context (GRCh38, chr10:92,609,505, plus strand): 5'-CAAATTTTAGAAAAGGGGGCAGCAAAAAGGACAACTGCAGCTACTCTGATGAATGCATAC[T>G]CTAGGTAAGAAAGCCATAGTCTCTTCCCTAGCCCCATTTTCTTTTAAGAAGAATTAGGAA-3'
Protein context (NP_004514.2, residues 222-242): TTAATLMNAY[Ser232Ala]SRSHSVFSVT

ClinVar aggregate classification (germline): Uncertain significance (1 of 4 stars; one submission).

gnomAD v4.1: 1 of 1,607,826 alleles (0.000062%); highest among the groups gnomAD compares: Non-Finnish European, 0.000085%; no homozygotes.

Submission:

Labcorp Genetics (formerly Invitae), Labcorp
Classification: Uncertain significance. Last evaluated: 2025-10-24. Review status: criteria provided, single submitter. Criteria: Invitae Variant Classification Sherloc (09022015). Collection method: clinical testing. Allele origin: germline.
Comment: This sequence change replaces serine, which is neutral and polar, with alanine, which is neutral and non-polar, at codon 232 of the KIF11 protein (p.Ser232Ala). This variant is not present in population databases (gnomAD no frequency). This variant has not been reported in the literature in individuals affected with KIF11-related conditions. Invitae Evidence Modeling of protein sequence and biophysical properties (such as structural, functional, and spatial information, amino acid conservation, physicochemical variation, residue mobility, and thermodynamic stability) has been performed for this missense variant. However, the output from this modeling did not meet the statistical confidence thresholds required to predict the impact of this variant on KIF11 protein function. In summary, the available evidence is currently insufficient to determine the role of this variant in disease. Therefore, it has been classified as a Variant of Uncertain Significance.